The following is an entry in ClinVar:

ClinVar aggregate classification (germline): Conflicting classifications of pathogenicity. Review status: criteria provided, conflicting classifications (1 of 4 stars). 6 submissions from 6 submitters: Uncertain significance (4); Likely benign (1). 1 of the submissions does not count toward it. Last evaluated 2026-02-03.

Conditions:
Cardiovascular phenotype. Identifiers: MedGen CN230736.
Autosomal recessive limb-girdle muscular dystrophy type 2J (LGMDR10). Also called: Limb-girdle muscular dystrophy, type 2J; MUSCULAR DYSTROPHY, LIMB-GIRDLE, AUTOSOMAL RECESSIVE 10. Identifiers: Orphanet 140922, MedGen C1837342, MONDO:0012127, OMIM 608807.
Dilated cardiomyopathy 1G (CMD1G). Identifiers: Orphanet 154, MedGen C1858763, MONDO:0011400, OMIM 604145.

Allele frequency attached by ClinVar (database versions not stated): gnomAD exomes 0.00005 and 0.00011; ExAC 0.00007; ESP Exome Variant Server 0.00008; gnomAD 0.00012 and 0.00013; TOPMed 0.00012.
gnomAD v4.1: 92 of 1,613,594 alleles (0.0057%); highest among the groups gnomAD compares: Admixed American, 0.01%; no homozygotes.

Submissions (6):

Labcorp Genetics (formerly Invitae), Labcorp
Classification: Likely benign for Dilated cardiomyopathy 1G; Autosomal recessive limb-girdle muscular dystrophy type 2J. Last evaluated: 2026-02-03. Review status: criteria provided, single submitter. Criteria: Invitae Variant Classification Sherloc (09022015). Collection method: clinical testing. Allele origin: germline.

Blueprint Genetics
Classification: Uncertain significance. Last evaluated: 2024-10-11. Review status: criteria provided, single submitter. Criteria: ACMG Guidelines, 2015. Collection method: clinical testing. Allele origin: germline.

ARUP Laboratories, Molecular Genetics and Genomics, ARUP Laboratories
Classification: Uncertain significance. Last evaluated: 2022-06-28. Review status: criteria provided, single submitter. Criteria: ARUP Molecular Germline Variant Investigation Process 2021. Collection method: clinical testing. Allele origin: germline.
Comment: The TTN NM_001267550.2: c.12889T>G; p.Cys4297Gly variant (rs377063950; ClinVar Variation ID: 166235) is rare in the general population (<0.2% allele frequency in the Genome Aggregation Database) and has not been reported in the medical literature in association with dilated cardiomyopathy (DCM) or other TTN-related disease. The clinical relevance of rare missense variants in this gene, which are identified on average once per individual sequenced in affected populations (Herman 2012), is not well understood. Yet, evidence suggests that the vast majority of such missense variants do not contribute to the clinical outcome of DCM (Begay 2015). Thus, the clinical significance of the p.Cys4297Gly variant cannot be determined with certainty.

Ambry Genetics
Classification: Uncertain significance for Cardiovascular phenotype. Last evaluated: 2019-06-19. Review status: criteria provided, single submitter. Criteria: Ambry Variant Classification Scheme 2023. Collection method: clinical testing. Allele origin: germline.
Comment: The p.C3934G variant (also known as c.11800T>G), located in coding exon 44 of the TTN gene, results from a T to G substitution at nucleotide position 11800. The cysteine at codon 3934 is replaced by glycine, an amino acid with highly dissimilar properties. This amino acid position is not well conserved in available vertebrate species, and glycine is the reference amino acid in other vertebrate species. In addition, this alteration is predicted to be tolerated by in silico analysis. Since supporting evidence is limited at this time, the clinical significance of this alteration remains unclear.

Laboratory for Molecular Medicine, Mass General Brigham Personalized Medicine
Classification: Uncertain significance. Last evaluated: 2013-08-30. Review status: criteria provided, single submitter. Criteria: LMM Criteria. Collection method: clinical testing. Allele origin: germline. Observed: 1 variant allele.
Comment: The Cys4059Gly variant in TTN has not been previously reported in individuals wi th cardiomyopathy, but has been identified in 1/8244 European American chromosom es by the NHLBI Exome Sequencing Project (dbS NP rs377063950). Computational analyses are limited or unavailable for this vari ant. Additional studies are need to fully assess the clinical significance of th is variant.

Department of Pathology and Laboratory Medicine, Sinai Health System
Classification: Uncertain significance. Review status: no assertion criteria provided. Collection method: clinical testing. Allele origin: unknown. Affected: yes. Study: The Canadian Open Genetics Repository (COGR). Not counted in ClinVar's aggregate classification.
Comment: The TTN p.Cys4059Gly variant was not identified in the literature nor was it identified in LOVD 3.0. The variant was identified in dbSNP (ID: rs377063950) and ClinVar (classified as uncertain significance by Laboratory for Molecular Medicine and as likely benign by Invitae). The variant was identified in control databases in 28 of 248276 chromosomes at a frequency of 0.000113 (Genome Aggregation Database March 6, 2019, v2.1.1). The variant was observed in the following populations: Ashkenazi Jewish in 20 of 10040 chromosomes (freq: 0.001992), Latino in 4 of 34446 chromosomes (freq: 0.000116) and European (non-Finnish) in 4 of 112328 chromosomes (freq: 0.000036), but was not observed in the African, East Asian, European (Finnish), Other, or South Asian populations. The p.Cys4059 residue has limited species conservation data and computational analyses (PolyPhen-2, BLOSUM, MutationTaster) provide inconsistent predictions regarding the impact to the protein. The variant occurs outside of the splicing consensus sequence and three of four in silico or computational prediction software programs (SpliceSiteFinder, MaxEntScan, NNSPLICE, GeneSplicer) do not predict a greater than 10% difference in splicing; this is not very predictive of pathogenicity. In summary, based on the above information the clinical significance of this variant cannot be determined with certainty at this time. This variant is classified as a variant of uncertain significance.

NM_001267550.2(TTN):c.12889T>G (p.Cys4297Gly)

Gene: TTN (titin; minus strand). Cytogenetic location: 2q31.2.
Variant type: single nucleotide variant.
Coding change: c.12889T>G on transcript NM_001267550.2 (MANE Select); coding-DNA position 12889, T replaced by G.
Protein change: p.Cys4297Gly; replaces cysteine 4297 with glycine.
Molecular consequence: missense variant. On other transcripts: intron variant (1).
Genome position (GRCh38, 1-based): chr2:178,740,344, A>C on the plus strand (T>G on the coding strand, the complement: TTN is on the minus strand). VCF-style: chr2-178740344-A-C. GRCh37 (hg19) VCF-style: chr2-179605071-A-C.
Other names: c.11938T>G, p.Cys3980Gly (NM_001256850.1); c.11800T>G, p.Cys3934Gly (NM_003319.4); c.12376T>G, p.Cys4126Gly (NM_133437.4); c.10361-1984T>G (NM_133378.4); c.12175T>G, p.Cys4059Gly (NM_133432.3); short protein forms C4059G, C4297G, C4126G, C3980G, C3934G.
Identifiers: ClinVar variation 166235 (VCV000166235.22), dbSNP rs377063950, ClinGen allele CA179026.